The following is an entry in ClinVar:

ClinVar aggregate classification (germline): Likely benign (0 of 4 stars; one submission).

Conditions:
PADI4-related disorder. Also called: PADI4-related condition.

Allele frequency attached by ClinVar (database versions not stated): 1000 Genomes Project 30x 0.00062; 1000 Genomes Project 0.00080; ESP Exome Variant Server 0.00169; TOPMed 0.00170; ExAC 0.00207.
gnomAD v4.1: 3,703 of 1,613,870 alleles (0.23%); highest among the groups gnomAD compares: Non-Finnish European, 0.26%; 8 homozygotes.

Submission:

PreventionGenetics, part of Exact Sciences
Classification: Likely benign for PADI4-related condition. Last evaluated: 2022-05-25. Review status: no assertion criteria provided. Collection method: clinical testing. Allele origin: germline.
Comment: This variant is classified as likely benign based on ACMG/AMP sequence variant interpretation guidelines (Richards et al. 2015 PMID: 25741868, with internal and published modifications).

NM_012387.3(PADI4):c.566C>A (p.Thr189Asn)

Gene: PADI4 (peptidyl arginine deiminase 4; plus strand). Cytogenetic location: 1p36.13.
Variant type: single nucleotide variant.
Coding change: c.566C>A on transcript NM_012387.3 (MANE Select); coding-DNA position 566, C replaced by A.
Protein change: p.Thr189Asn; replaces threonine 189 with asparagine.
Molecular consequence: missense variant.
Genome position (GRCh38, 1-based): chr1:17,339,727, C>A. VCF-style: chr1-17339727-C-A. GRCh37 (hg19) VCF-style: chr1-17666222-C-A.
Other names: short protein forms T189N.
Identifiers: ClinVar variation 3056039 (VCV003056039.2), dbSNP rs142590988, ClinGen allele CA640582.